The following is an entry in ClinVar:

ClinVar aggregate classification (germline): Uncertain significance (1 of 4 stars; one submission).

Submission:

Labcorp Genetics (formerly Invitae), Labcorp
Classification: Uncertain significance. Last evaluated: 2024-03-13. Review status: criteria provided, single submitter. Criteria: Invitae Variant Classification Sherloc (09022015). Collection method: clinical testing. Allele origin: germline.
Comment: This sequence change replaces proline, which is neutral and non-polar, with alanine, which is neutral and non-polar, at codon 317 of the RASGRP1 protein (p.Pro317Ala). This variant is not present in population databases (gnomAD no frequency). This variant has not been reported in the literature in individuals affected with RASGRP1-related conditions. Advanced modeling of protein sequence and biophysical properties (such as structural, functional, and spatial information, amino acid conservation, physicochemical variation, residue mobility, and thermodynamic stability) performed at Invitae indicates that this missense variant is not expected to disrupt RASGRP1 protein function with a negative predictive value of 80%. In summary, the available evidence is currently insufficient to determine the role of this variant in disease. Therefore, it has been classified as a Variant of Uncertain Significance.

NM_005739.4(RASGRP1):c.949C>G (p.Pro317Ala)

Gene: RASGRP1 (RAS guanyl releasing protein 1; minus strand). Cytogenetic location: 15q14.
Variant type: single nucleotide variant.
Coding change: c.949C>G on transcript NM_005739.4 (MANE Select); coding-DNA position 949, C replaced by G.
Protein change: p.Pro317Ala; replaces proline 317 with alanine.
Molecular consequence: missense variant.
Genome position (GRCh38, 1-based): chr15:38,511,621, G>C on the plus strand (C>G on the coding strand, the complement: RASGRP1 is on the minus strand). VCF-style: chr15-38511621-G-C. GRCh37 (hg19) VCF-style: chr15-38803822-G-C.
Other names: c.949C>G, p.Pro317Ala (NM_001128602.2, NM_001306086.2); short protein forms P317A.
Identifiers: ClinVar variation 3645715 (VCV003645715.2).